The following is an entry in ClinVar:

ClinVar aggregate classification (germline): Pathogenic (1 of 4 stars; one submission).

Conditions:
Meckel-Gruber syndrome. Also called: Dysencephalia splachnocystica; GRUBER SYNDROME; DYSENCEPHALIA SPLANCHNOCYSTICA. Identifiers: Orphanet 564, MedGen C0265215, MONDO:0018921.
Joubert syndrome. Also called: JOUBERT-BOLTSHAUSER SYNDROME; Familial aplasia of the vermis; CEREBELLOPARENCHYMAL DISORDER IV. Identifiers: Orphanet 475, MedGen C5979921, MONDO:0018772.

Submission:

Labcorp Genetics (formerly Invitae), Labcorp
Classification: Pathogenic for Joubert syndrome; Meckel-Gruber syndrome. Last evaluated: 2023-11-03. Review status: criteria provided, single submitter. Criteria: Invitae Variant Classification Sherloc (09022015). Collection method: clinical testing. Allele origin: germline.
Comment: This variant results in the deletion of part of exon 22 (c.2314_2322+4delinsGG) of the TMEM67 gene. It is expected to disrupt RNA splicing. Variants that disrupt the donor or acceptor splice site typically lead to a loss of protein function (PMID: 16199547), and loss-of-function variants in TMEM67 are known to be pathogenic (PMID: 20232449, 23559409). This variant is not present in population databases (gnomAD no frequency). This variant has been observed in individual(s) with clinical features of Meckel-Gruber syndrome (PMID: 17160906). In at least one individual the data is consistent with being in trans (on the opposite chromosome) from a pathogenic variant. This variant is also known as 2315_2323+4del13insGG. For these reasons, this variant has been classified as Pathogenic.

Literature cited by the submitters: PubMed 16199547; PubMed 20232449; PubMed 23559409; PubMed 17160906.

NM_153704.6(TMEM67):c.2314_2322+4delinsGG

Gene: TMEM67 (transmembrane protein 67; plus strand). Cytogenetic location: 8q22.1.
Variant type: Indel.
Coding change: c.2314_2322+4delinsGG on transcript NM_153704.6 (MANE Select); coding-DNA position 2314 through 4 bases into the intron after coding-DNA position 2322, ATGAGTAATGTAA replaced by GG.
Molecular consequence: splice donor variant.
Genome position (GRCh38, 1-based): chr8:93,803,676-93,803,688, ATGAGTAATGTAA replaced by GG. VCF-style: chr8-93803676-ATGAGTAATGTAA-GG. GRCh37 (hg19) VCF-style: chr8-94815904-ATGAGTAATGTAA-GG.
Other names: c.2071_2079+4delinsGG (NM_001142301.1).
Identifiers: ClinVar variation 411583 (VCV000411583.5), dbSNP rs1064792983, ClinGen allele CA16612561.